The following is an entry in ClinVar:

NM_133642.5(LARGE1):c.1093C>T (p.Arg365Cys)

Gene: LARGE1 (LARGE xylosyl- and glucuronyltransferase 1; minus strand). Cytogenetic location: 22q12.3.
Variant type: single nucleotide variant.
Coding change: c.1093C>T on transcript NM_133642.5 (MANE Select); coding-DNA position 1093, C replaced by T.
Protein change: p.Arg365Cys; replaces arginine 365 with cysteine.
Molecular consequence: missense variant.
Genome position (GRCh38, 1-based): chr22:33,381,957, G>A on the plus strand (C>T on the coding strand, the complement: LARGE1 is on the minus strand). VCF-style: chr22-33381957-G-A. GRCh37 (hg19) VCF-style: chr22-33777943-G-A.
Other names: c.1093C>T, p.Arg365Cys (NM_001362949.2, NM_001362951.2, NM_001362953.2 and 7 more transcripts); c.490C>T, p.Arg164Cys (NM_001378630.1, NM_001378631.1); short protein forms R164C, R365C.
Identifiers: ClinVar variation 1372811 (VCV001372811.6), dbSNP rs1361308052, ClinGen allele CA411544800.

ClinVar aggregate classification (germline): Uncertain significance (1 of 4 stars; one submission).

Conditions:
Muscular dystrophy-dystroglycanopathy type B6 (MDDGB6). Also called: MUSCULAR DYSTROPHY-DYSTROGLYCANOPATHY (CONGENITAL WITH IMPAIRED INTELLECTUAL DEVELOPMENT), TYPE B, 6; MUSCULAR DYSTROPHY, CONGENITAL, LARGE-RELATED; MUSCULAR DYSTROPHY, CONGENITAL, TYPE 1D. Identifiers: MedGen C1837229, MONDO:0012138, OMIM 608840.

Allele frequency attached by ClinVar (database versions not stated): gnomAD exomes below 0.00001; gnomAD 0.00001; TOPMed 0.00001.
gnomAD v4.1: 3 of 1,614,006 alleles (0.00019%); highest among the groups gnomAD compares: Admixed American, 0.0017%; no homozygotes.

Submission:

Labcorp Genetics (formerly Invitae), Labcorp
Classification: Uncertain significance for Muscular dystrophy-dystroglycanopathy type B6. Last evaluated: 2021-12-02. Review status: criteria provided, single submitter. Criteria: Invitae Variant Classification Sherloc (09022015). Collection method: clinical testing. Allele origin: germline.
Comment: This sequence change replaces arginine, which is basic and polar, with cysteine, which is neutral and slightly polar, at codon 365 of the LARGE1 protein (p.Arg365Cys). The frequency data for this variant in the population databases is considered unreliable, as metrics indicate poor data quality at this position in the gnomAD database. In summary, the available evidence is currently insufficient to determine the role of this variant in disease. Therefore, it has been classified as a Variant of Uncertain Significance. Algorithms developed to predict the effect of missense changes on protein structure and function (SIFT, PolyPhen-2, Align-GVGD) all suggest that this variant is likely to be disruptive. This variant has not been reported in the literature in individuals affected with LARGE1-related conditions.